The following is an entry in ClinVar:

NM_014956.5(CEP164):c.625C>G (p.Leu209Val)

Gene: CEP164 (centrosomal protein 164; plus strand). Cytogenetic location: 11q23.3.
Variant type: single nucleotide variant.
Coding change: c.625C>G on transcript NM_014956.5 (MANE Select); coding-DNA position 625, C replaced by G.
Protein change: p.Leu209Val; replaces leucine 209 with valine.
Molecular consequence: missense variant.
Genome position (GRCh38, 1-based): chr11:117,362,476, C>G. VCF-style: chr11-117362476-C-G. GRCh37 (hg19) VCF-style: chr11-117233192-C-G.
Other names: p.Leu209Val; c.625C>G, p.Leu209Val (NM_001271933.2); short protein forms L209V.
Identifiers: ClinVar variation 1061429 (VCV001061429.7), dbSNP rs921440647, ClinGen allele CA229385472.

ClinVar aggregate classification (germline): Uncertain significance. Review status: criteria provided, multiple submitters, no conflicts (2 of 4 stars). 2 submissions from 2 submitters: Uncertain significance (2). Last evaluated 2025-11-07.

Conditions:
Nephronophthisis 15 (NPHP15). Identifiers: Orphanet 3156, MedGen C3541853, MONDO:0013917, OMIM 614845.

Allele frequency attached by ClinVar (database versions not stated): gnomAD exomes 0.00001; TOPMed 0.00002; gnomAD 0.00003.
gnomAD v4.1: 12 of 1,613,664 alleles (0.00074%); highest among the groups gnomAD compares: Non-Finnish European, 0.001%; no homozygotes.

Submissions (2):

Mayo Clinic Laboratories, Mayo Clinic
Classification: Uncertain significance. Last evaluated: 2025-11-07. Review status: criteria provided, single submitter. Criteria: ACMG Guidelines, 2015. Collection method: clinical testing. Allele origin: germline. Observed: 1 variant allele.
Comment: BP4

Labcorp Genetics (formerly Invitae), Labcorp
Classification: Uncertain significance for Nephronophthisis 15. Last evaluated: 2021-09-01. Review status: criteria provided, single submitter. Criteria: Invitae Variant Classification Sherloc (09022015). Collection method: clinical testing. Allele origin: germline.
Comment: This sequence change replaces leucine with valine at codon 209 of the CEP164 protein (p.Leu209Val). The leucine residue is highly conserved and there is a small physicochemical difference between leucine and valine. This variant is not present in population databases (ExAC no frequency). This variant has not been reported in the literature in individuals affected with CEP164-related conditions. Algorithms developed to predict the effect of missense changes on protein structure and function output the following: SIFT: "Deleterious"; PolyPhen-2: "Benign"; Align-GVGD: "Class C0". The valine amino acid residue is found in multiple mammalian species, which suggests that this missense change does not adversely affect protein function. In summary, the available evidence is currently insufficient to determine the role of this variant in disease. Therefore, it has been classified as a Variant of Uncertain Significance.